The following is an entry in ClinVar:

NM_133642.5(LARGE1):c.2001C>T (p.Cys667=)

Gene: LARGE1 (LARGE xylosyl- and glucuronyltransferase 1; minus strand). Cytogenetic location: 22q12.3.
Variant type: single nucleotide variant.
Coding change: c.2001C>T on transcript NM_133642.5 (MANE Select); coding-DNA position 2001, C replaced by T.
Protein change: p.Cys667=; no amino-acid change (cysteine 667 retained).
Molecular consequence: synonymous variant.
Genome position (GRCh38, 1-based): chr22:33,277,132, G>A on the plus strand (C>T on the coding strand, the complement: LARGE1 is on the minus strand). VCF-style: chr22-33277132-G-A. GRCh37 (hg19) VCF-style: chr22-33673118-G-A.
Other names: p.Cys667=; c.2001C>T, p.Cys667= (NM_001362949.2, NM_001362951.2, NM_001362953.2 and 4 more transcripts); c.1854C>T, p.Cys618= (NM_001378627.1, NM_001378628.1); c.1845C>T, p.Cys615= (NM_001378629.1); c.1398C>T, p.Cys466= (NM_001378630.1); c.1095C>T, p.Cys365= (NM_001378631.1); c.2001C>T (NM_004737.5, NM_004737.6).
Identifiers: ClinVar variation 704779 (VCV000704779.35), dbSNP rs116734942, ClinGen allele CA10202595.

ClinVar aggregate classification (germline): Benign/Likely benign. Review status: criteria provided, multiple submitters, no conflicts (2 of 4 stars). 5 submissions from 5 submitters: Benign (1); Likely benign (3). 1 of the submissions does not count toward it. Last evaluated 2026-01-27.

Conditions:
LARGE1-related disorder. Also called: LARGE1-related condition.
Muscular dystrophy-dystroglycanopathy type B6 (MDDGB6). Also called: MUSCULAR DYSTROPHY, CONGENITAL, LARGE-RELATED; MUSCULAR DYSTROPHY, CONGENITAL, TYPE 1D; MUSCULAR DYSTROPHY-DYSTROGLYCANOPATHY (CONGENITAL WITH IMPAIRED INTELLECTUAL DEVELOPMENT), TYPE B, 6. Identifiers: MedGen C1837229, MONDO:0012138, OMIM 608840.

Allele frequency attached by ClinVar (database versions not stated): gnomAD exomes 0.00006 and 0.00019; ExAC 0.00026; 1000 Genomes Project 0.00060; 1000 Genomes Project 30x 0.00062; gnomAD 0.00075 and 0.00081; ESP Exome Variant Server 0.00077; TOPMed 0.00084.
gnomAD v4.1: 206 of 1,614,236 alleles (0.013%); highest among the groups gnomAD compares: African/African-American, 0.26%; no homozygotes.

Submissions (5):

Labcorp Genetics (formerly Invitae), Labcorp
Classification: Benign for Muscular dystrophy-dystroglycanopathy type B6. Last evaluated: 2026-01-27. Review status: criteria provided, single submitter. Criteria: Invitae Variant Classification Sherloc (09022015). Collection method: clinical testing. Allele origin: germline.

Mayo Clinic Laboratories, Mayo Clinic
Classification: Likely benign. Last evaluated: 2025-07-17. Review status: criteria provided, single submitter. Criteria: ACMG Guidelines, 2015. Collection method: clinical testing. Allele origin: germline. Observed: 2 variant alleles.
Comment: BS1, BP4, BP7

CeGaT Center for Human Genetics Tuebingen
Classification: Likely benign. Last evaluated: 2024-04-01. Review status: criteria provided, single submitter. Criteria: CeGaT Center For Human Genetics Tuebingen Variant Classification Criteria Version 2. Collection method: clinical testing. Allele origin: germline. Affected: yes. Observed: 1 variant allele.
Comment: LARGE1: BP4

GeneDx
Classification: Likely benign. Last evaluated: 2018-12-20. Review status: criteria provided, single submitter. Criteria: GeneDx Variant Classification Process June 2021. Collection method: clinical testing. Allele origin: germline. Affected: yes.

PreventionGenetics, part of Exact Sciences
Classification: Likely benign for LARGE1-related condition. Last evaluated: 2020-01-17. Review status: no assertion criteria provided. Collection method: clinical testing. Allele origin: germline. Not counted in ClinVar's aggregate classification.
Comment: This variant is classified as likely benign based on ACMG/AMP sequence variant interpretation guidelines (Richards et al. 2015 PMID: 25741868, with internal and published modifications).